The following is an entry in ClinVar:

NM_032776.3(JMJD1C):c.2584A>G (p.Ile862Val)

Gene: JMJD1C (jumonji domain containing 1C; minus strand). Cytogenetic location: 10q21.3.
Variant type: single nucleotide variant.
Coding change: c.2584A>G on transcript NM_032776.3 (MANE Select); coding-DNA position 2584, A replaced by G.
Protein change: p.Ile862Val; replaces isoleucine 862 with valine.
Molecular consequence: missense variant. On other transcripts: non-coding transcript variant (1).
Genome position (GRCh38, 1-based): chr10:63,213,583, T>C on the plus strand (A>G on the coding strand, the complement: JMJD1C is on the minus strand). VCF-style: chr10-63213583-T-C. GRCh37 (hg19) VCF-style: chr10-64973343-T-C.
Other names: c.2584A>G (NM_032776.1); c.2038A>G, p.Ile680Val (NM_001282948.2, NM_001318154.2); c.1720A>G, p.Ile574Val (NM_001318153.2); c.2470A>G, p.Ile824Val (NM_001322252.2); c.1927A>G, p.Ile643Val (NM_001322254.2, NM_001322258.2); short protein forms I862V, I574V, I643V, I824V, I680V.
Identifiers: ClinVar variation 947129 (VCV000947129.9), dbSNP rs376361926, ClinGen allele CA5518611.

ClinVar aggregate classification (germline): Uncertain significance. Review status: criteria provided, multiple submitters, no conflicts (2 of 4 stars). 2 submissions from 2 submitters: Uncertain significance (2). Last evaluated 2025-08-06.

Conditions:
Early Myoclonic Encephalopathy. Identifiers: MedGen C0270855.

Allele frequency attached by ClinVar (database versions not stated): gnomAD 0.00004 and 0.00003; TOPMed 0.00002; gnomAD exomes 0.00004; ESP Exome Variant Server 0.00016; ExAC 0.00005.
gnomAD v4.1: 104 of 1,614,026 alleles (0.0064%); highest among the groups gnomAD compares: Middle Eastern, 0.033%; no homozygotes.

Submissions (2):

Labcorp Genetics (formerly Invitae), Labcorp
Classification: Uncertain significance for Early Myoclonic Encephalopathy. Last evaluated: 2025-08-06. Review status: criteria provided, single submitter. Criteria: Invitae Variant Classification Sherloc (09022015). Collection method: clinical testing. Allele origin: germline.
Comment: This sequence change replaces isoleucine, which is neutral and non-polar, with valine, which is neutral and non-polar, at codon 862 of the JMJD1C protein (p.Ile862Val). This variant is present in population databases (rs376361926, gnomAD 0.01%). This variant has not been reported in the literature in individuals affected with JMJD1C-related conditions. ClinVar contains an entry for this variant (Variation ID: 947129). Invitae Evidence Modeling of protein sequence and biophysical properties (such as structural, functional, and spatial information, amino acid conservation, physicochemical variation, residue mobility, and thermodynamic stability) indicates that this missense variant is not expected to disrupt JMJD1C protein function with a negative predictive value of 80%. In summary, the available evidence is currently insufficient to determine the role of this variant in disease. Therefore, it has been classified as a Variant of Uncertain Significance.

Ambry Genetics
Classification: Uncertain significance. Last evaluated: 2024-09-12. Review status: criteria provided, single submitter. Criteria: Ambry Variant Classification Scheme 2023. Collection method: clinical testing. Allele origin: germline.